The following is an entry in ClinVar:

ClinVar aggregate classification (germline): Likely pathogenic. Review status: criteria provided, multiple submitters, no conflicts (2 of 4 stars). 2 submissions from 2 submitters: Likely pathogenic (2). Last evaluated 2021-05-06.

Conditions:
Congenital generalized lipodystrophy type 1 (CGL1). Also called: BRUNZELL SYNDROME, AGPAT2-RELATED; Berardinelli-Seip Congenital Lipodystrophy Type 1. Identifiers: Orphanet 528, Orphanet 696189, MedGen C1720862, MONDO:0012071, OMIM 608594.

Allele frequency attached by ClinVar (database versions not stated): gnomAD exomes below 0.00001; TOPMed below 0.00001; ExAC 0.00001; gnomAD 0.00001.
gnomAD v4.1: 3 of 1,613,150 alleles (0.00019%); highest among the groups gnomAD compares: Non-Finnish European, 0.00025%; no homozygotes.

Submissions (2):

Victorian Clinical Genetics Services, Murdoch Childrens Research Institute
Classification: Likely pathogenic for Congenital generalized lipodystrophy type 1. Last evaluated: 2021-05-06. Review status: criteria provided, single submitter. Criteria: ACMG Guidelines, 2015. Collection method: clinical testing. Allele origin: germline. Inheritance: Autosomal recessive inheritance.
Comment: Based on the classification scheme VCGS_Germline_v1.3.4, this variant is classified as Likely pathogenic. Following criteria are met: 0102 - Loss of function is a known mechanism of disease in this gene and is associated with congenital generalized lipodystrophy type 1 (MIM#608594). (I) 0106 - This gene is associated with autosomal recessive disease. (I) 0211 - Canonical splice site variant without proven consequence on splicing (no functional evidence available). (SP) 0251 - This variant is heterozygous. (I) 0304 - Variant is present in gnomAD (v2, v3) <0.01 for a recessive condition (1 heterozygote, 0 homozygotes). (SP) 0311 - An alternative nucleotide change at the same canonical splice site, is present in gnomAD (v2, v3) (1 heterozygote, 0 homozygotes). (I) 0505 - Abnormal splicing is predicted by in silico tools and affected nucleotide is highly conserved. (SP) 0704 - Another canonical splice variant comparable to the one identified in this case has limited previous evidence for pathogenicity. This variant (c.483-1G>C) has been reported as pathogenic, and reported in multiple homozygous and a compound heterozygous patient with congenital generalized lipodystrophy. It is often observed in cis with a pathogenic missense variant (p.Ser100Asn) (ClinVar, PMID: 32117065, PMID: 14557463). (SP) 0807 - This variant has no previous evidence of pathogenicity. (I) 0905 - No published segregation evidence has been identified for this variant. (I) 1007 - No published functional evidence has been identified for this variant. (I) 1201 - Heterozygous variant detected in trans with a second pathogenic heterozygous variant (p.Arg68*) in a recessive disease. (I) Legend: (SP) - Supporting pathogenic, (I) - Information, (SB) - Supporting benign

Neuberg Centre For Genomic Medicine, NCGM
Classification: Likely pathogenic for Congenital generalized lipodystrophy type 1. Review status: criteria provided, single submitter. Criteria: ACMG Guidelines, 2015. Collection method: clinical testing. Allele origin: germline. Inheritance: Autosomal recessive inheritance. Affected: yes.
Comment: The splice acceptor variant c.493-2A>G in AGPAT2 gene has not been reported previously as a pathogenic variant nor as a benign variant, to our knowledge. The variant is novel (not in any individuals) in 1000 Genomes and present in the gnomAD exomes database with a frequency of 0.0004%. The nucleotide change in AGPAT2 is predicted as conserved by GERP++ and PhyloP across 100 vertebrates. For these reasons, this variant has been classified as Likely Pathogenic.

Literature cited by the submitters: PubMed 14557463 (cited by Victorian Clinical Genetics Services, Murdoch Childrens Research Institute); PubMed 32117065 (cited by Victorian Clinical Genetics Services, Murdoch Childrens Research Institute).

NM_006412.4(AGPAT2):c.493-2A>G

Gene: AGPAT2 (1-acylglycerol-3-phosphate O-acyltransferase 2; minus strand). Cytogenetic location: 9q34.3.
Variant type: single nucleotide variant.
Coding change: c.493-2A>G on transcript NM_006412.4 (MANE Select); the canonical splice acceptor site of the intron before coding-DNA position 493, A replaced by G.
Molecular consequence: splice acceptor variant. On other transcripts: intron variant (1).
Genome position (GRCh38, 1-based): chr9:136,676,682, T>C on the plus strand (A>G on the coding strand, the complement: AGPAT2 is on the minus strand). VCF-style: chr9-136676682-T-C. GRCh37 (hg19) VCF-style: chr9-139571134-T-C.
Other names: c.492+279A>G (NM_001012727.2).
Identifiers: ClinVar variation 1806161 (VCV001806161.2), dbSNP rs763254660, ClinGen allele CA5342955.